The following is an entry in ClinVar:

NM_001009944.3(PKD1):c.7429del (p.Arg2477fs)

Gene: PKD1 (polycystin 1, transient receptor potential channel interacting; minus strand). Cytogenetic location: 16p13.3.
Variant type: Deletion.
Coding change: c.7429del on transcript NM_001009944.3 (MANE Select); coding-DNA position 7429, one base deleted (C; older notation c.7429delC).
Protein change: p.Arg2477fs; shifts the reading frame from arginine 2477.
Molecular consequence: frameshift variant.
Genome position (GRCh38, 1-based): chr16:2,106,458, G deleted on the plus strand (C on the coding strand, the reverse complement: PKD1 is on the minus strand); the first of 2 consecutive G bases (chr16:2,106,458-2,106,459); deleting either gives the same sequence. VCF-style (leftmost placement, unchanged base first): chr16-2106457-CG-C. GRCh37 (hg19) VCF-style: chr16-2156458-CG-C.
Other names: c.7429delC (NM_001009944.2, NM_001009944.3); c.7429del, p.Arg2477fs (NM_000296.4); short protein forms R2477fs.
Identifiers: ClinVar variation 3346852 (VCV003346852.2).

ClinVar aggregate classification (germline): Pathogenic. Review status: criteria provided, single submitter (1 of 4 stars). 2 submissions from 2 submitters: Pathogenic (1). 1 of the submissions does not count toward it. Last evaluated 2025-05-01.

Conditions:
Polycystic kidney disease, adult type (PKD1). Also called: Polycystic Kidney, Autosomal Dominant; POLYCYSTIC KIDNEY DISEASE 1 WITH OR WITHOUT POLYCYSTIC LIVER DISEASE; POLYCYSTIC KIDNEY DISEASE, ADULT, TYPE I; Polycystic Kidney Disease 1, Autosomal Dominant; Polycystic kidney disease 1; Polycystic kidney disease 1, severe. Identifiers: MedGen C3149841, MONDO:0008263, OMIM 173900.
PKD1-related disorder. Also called: PKD1-related condition.

Submissions (2):

Women's Health and Genetics/Laboratory Corporation of America, LabCorp
Classification: Pathogenic for Polycystic kidney disease, adult type. Last evaluated: 2025-05-01. Review status: criteria provided, single submitter. Criteria: LabCorp Variant Classification Summary - May 2015. Collection method: clinical testing. Allele origin: germline.
Comment: Variant summary: PKD1 c.7429delC (p.Arg2477AlafsX143) results in a premature termination codon, predicted to cause a truncation of the encoded protein or absence of the protein due to nonsense mediated decay, which are commonly known mechanisms for disease. The variant was absent in 184904 control chromosomes. To our knowledge, no occurrence of c.7429delC in individuals affected with Polycystic Kidney Disease 1 and no experimental evidence demonstrating its impact on protein function have been reported. ClinVar contains an entry for this variant (Variation ID: 3346852). Based on the evidence outlined above, the variant was classified as pathogenic.

PreventionGenetics, part of Exact Sciences
Classification: Pathogenic for PKD1-related condition. Last evaluated: 2024-09-09. Review status: no assertion criteria provided. Collection method: clinical testing. Allele origin: germline. Not counted in ClinVar's aggregate classification.
Comment: The PKD1 c.7429delC variant is predicted to result in a frameshift and premature protein termination (p.Arg2477Alafs*143). To our knowledge, this variant has not been reported in the literature or in a large population database, indicating this variant is rare. Frameshift variants in PKD1 are expected to be pathogenic. This variant is interpreted as pathogenic.